The following is an entry in ClinVar:

NM_000452.3(SLC10A2):c.302T>A (p.Leu101His)

Gene: SLC10A2 (solute carrier family 10 member 2; minus strand). Cytogenetic location: 13q33.1.
Variant type: single nucleotide variant.
Coding change: c.302T>A on transcript NM_000452.3 (MANE Select); coding-DNA position 302, T replaced by A.
Protein change: p.Leu101His; replaces leucine 101 with histidine.
Molecular consequence: missense variant.
Genome position (GRCh38, 1-based): chr13:103,065,948, A>T on the plus strand (T>A on the coding strand, the complement: SLC10A2 is on the minus strand). VCF-style: chr13-103065948-A-T. GRCh37 (hg19) VCF-style: chr13-103718298-A-T.
Other names: short protein forms L101H.
Identifiers: ClinVar variation 2307029 (VCV002307029.4), dbSNP rs747323774, ClinGen allele CA7042290.

ClinVar aggregate classification (germline): Uncertain significance. Review status: criteria provided, multiple submitters, no conflicts (2 of 4 stars). 2 submissions from 2 submitters: Uncertain significance (2). Last evaluated 2024-07-10.

Allele frequency attached by ClinVar (database versions not stated): ExAC 0.00001; gnomAD exomes 0.00001.

Submissions (2):

Labcorp Genetics (formerly Invitae), Labcorp
Classification: Uncertain significance. Last evaluated: 2024-07-10. Review status: criteria provided, single submitter. Criteria: Invitae Variant Classification Sherloc (09022015). Collection method: clinical testing. Allele origin: germline.
Comment: This sequence change replaces leucine, which is neutral and non-polar, with histidine, which is basic and polar, at codon 101 of the SLC10A2 protein (p.Leu101His). This variant is present in population databases (rs747323774, gnomAD 0.004%). This variant has not been reported in the literature in individuals affected with SLC10A2-related conditions. ClinVar contains an entry for this variant (Variation ID: 2307029). Advanced modeling of protein sequence and biophysical properties (such as structural, functional, and spatial information, amino acid conservation, physicochemical variation, residue mobility, and thermodynamic stability) performed at Invitae indicates that this missense variant is expected to disrupt SLC10A2 protein function with a positive predictive value of 80%. In summary, the available evidence is currently insufficient to determine the role of this variant in disease. Therefore, it has been classified as a Variant of Uncertain Significance.

Ambry Genetics
Classification: Uncertain significance. Last evaluated: 2022-08-12. Review status: criteria provided, single submitter. Criteria: Ambry Variant Classification Scheme 2023. Collection method: clinical testing. Allele origin: germline.